The following is an entry in ClinVar:

NM_002234.4(KCNA5):c.186G>A (p.Ser62=)

Gene: KCNA5 (potassium voltage-gated channel subfamily A member 5; plus strand). Cytogenetic location: 12p13.32.
Variant type: single nucleotide variant.
Coding change: c.186G>A on transcript NM_002234.4 (MANE Select); coding-DNA position 186, G replaced by A.
Protein change: p.Ser62=; no amino-acid change (serine 62 retained).
Molecular consequence: synonymous variant.
Genome position (GRCh38, 1-based): chr12:5,044,333, G>A. VCF-style: chr12-5044333-G-A. GRCh37 (hg19) VCF-style: chr12-5153499-G-A.
Identifiers: ClinVar variation 2813355 (VCV002813355.3), dbSNP rs760015626, ClinGen allele CA478094972.

ClinVar aggregate classification (germline): Uncertain significance (1 of 4 stars; one submission).

Conditions:
Atrial fibrillation, familial, 7 (ATFB7). Identifiers: MedGen C2677106, MONDO:0012828, OMIM 612240.

Submission:

Labcorp Genetics (formerly Invitae), Labcorp
Classification: Uncertain significance for Atrial fibrillation, familial, 7. Last evaluated: 2023-03-27. Review status: criteria provided, single submitter. Criteria: Invitae Variant Classification Sherloc (09022015). Collection method: clinical testing. Allele origin: germline.
Comment: This sequence change affects codon 62 of the KCNA5 mRNA. It is a 'silent' change, meaning that it does not change the encoded amino acid sequence of the KCNA5 protein. In summary, the available evidence is currently insufficient to determine the role of this variant in disease. Therefore, it has been classified as a Variant of Uncertain Significance. This variant has not been reported in the literature in individuals affected with KCNA5-related conditions. This variant is not present in population databases (gnomAD no frequency).